The following is an entry in ClinVar:

NM_021964.3(ZNF148):c.615C>T (p.Asp205=)

Gene: ZNF148 (zinc finger protein 148; minus strand). Cytogenetic location: 3q21.2.
Variant type: single nucleotide variant.
Coding change: c.615C>T on transcript NM_021964.3 (MANE Select); coding-DNA position 615, C replaced by T.
Protein change: p.Asp205=; no amino-acid change (aspartic acid 205 retained).
Molecular consequence: synonymous variant.
Genome position (GRCh38, 1-based): chr3:125,277,778, G>A on the plus strand (C>T on the coding strand, the complement: ZNF148 is on the minus strand). VCF-style: chr3-125277778-G-A. GRCh37 (hg19) VCF-style: chr3-124996622-G-A.
Other names: c.615C>T, p.Asp205= (NM_001348424.1, NM_001348425.2, NM_001348426.2 and 8 more transcripts); c.489C>T, p.Asp163= (NM_001348434.2).
Identifiers: ClinVar variation 3048390 (VCV003048390.2), dbSNP rs143688584, ClinGen allele CA2585344.
Genomic context (GRCh38, chr3:125,277,778, plus strand): 5'-ACACTCACCAGTATGAATCTTCTCATGTCTCTGAAGCAGGTACTTCTGTATGAAACGCAT[G>A]TCACATTGACTACATTGAAATGGTTTTTCACCTTAAAATAATTTCACATCCACAAATTAG-3'
Protein context (NP_068799.2, residues 195-215): GEKPFQCSQC[Asp205=]MRFIQKYLLQ

ClinVar aggregate classification (germline): Likely benign (0 of 4 stars; one submission).

Conditions:
ZNF148-related disorder. Also called: ZNF148-related condition.

Allele frequency attached by ClinVar (database versions not stated): gnomAD exomes 0.00002; ExAC 0.00005; ESP Exome Variant Server 0.00008; gnomAD 0.00017; TOPMed 0.00017.
gnomAD v4.1: 81 of 1,610,946 alleles (0.005%); highest among the groups gnomAD compares: African/African-American, 0.037%; 1 homozygote.

Submission:

PreventionGenetics, part of Exact Sciences
Classification: Likely benign for ZNF148-related condition. Last evaluated: 2019-11-26. Review status: no assertion criteria provided. Collection method: clinical testing. Allele origin: germline.
Comment: This variant is classified as likely benign based on ACMG/AMP sequence variant interpretation guidelines (Richards et al. 2015 PMID: 25741868, with internal and published modifications).